The following is an entry in ClinVar:

ClinVar aggregate classification (germline): Likely pathogenic (1 of 4 stars; one submission).

Conditions:
Bethlem myopathy 1A. Also called: MYOPATHY, BENIGN CONGENITAL, WITH CONTRACTURES; Bethlem myopathy 1; Bethlem Muscular Dystrophy. Identifiers: Orphanet 610, MedGen CN029274, MONDO:0024530, OMIM 158810.

Submission:

Labcorp Genetics (formerly Invitae), Labcorp
Classification: Likely pathogenic for Bethlem myopathy 1. Last evaluated: 2019-12-23. Review status: criteria provided, single submitter. Criteria: Invitae Variant Classification Sherloc (09022015). Collection method: clinical testing. Allele origin: germline.
Comment: This variant is an in-frame deletion of the genomic region encompassing exon 11 of the COL6A2 gene. It preserves the integrity of the reading frame. Deletion of exon 11 has been observed in individual(s) with clinical features of type VI collagenopathy (PMID: 18378883, 24271325, Invitae). In summary, the currently available evidence indicates that the variant is pathogenic, but additional data are needed to prove that conclusively. Therefore, this variant has been classified as Likely Pathogenic.

Literature cited by the submitters: PubMed 18378883; PubMed 24271325.

NM_001849.4(COL6A2):c.999+9_1053+32del

Gene: COL6A2 (collagen type VI alpha 2 chain; plus strand). Cytogenetic location: 21q22.3.
Variant type: Deletion.
Coding change: c.999+9_1053+32del on transcript NM_001849.4 (MANE Select); 9 bases into the intron after coding-DNA position 999 through 32 bases into the intron after coding-DNA position 1053, 663 bases deleted.
Molecular consequence: splice acceptor variant, splice donor variant.
Genome position (GRCh38, 1-based): chr21:46,116,823-46,117,485, 663 bases deleted. GRCh37 (hg19): chr21:47,536,737-47,537,399.
Other names: c.999+9_1053+32del (NM_058175.3, NM_058174.3).
Identifiers: ClinVar variation 853305 (VCV000853305.1), dbSNP rs2078478648, ClinGen allele CA916081968.